The following is an entry in ClinVar:

ClinVar aggregate classification (germline): Uncertain significance (1 of 4 stars; one submission).

Allele frequency attached by ClinVar (database versions not stated): TOPMed below 0.00001.

Submission:

Ambry Genetics
Classification: Uncertain significance. Last evaluated: 2024-01-23. Review status: criteria provided, single submitter. Criteria: Ambry Variant Classification Scheme 2023. Collection method: clinical testing. Allele origin: germline.
Comment: The p.I490M variant (also known as c.1470C>G), located in coding exon 15 of the SLMAP gene, results from a C to G substitution at nucleotide position 1470. The isoleucine at codon 490 is replaced by methionine, an amino acid with highly similar properties. This amino acid position is conserved. In addition, this alteration is predicted to be tolerated by in silico analysis. Since supporting evidence is limited at this time, the clinical significance of this alteration remains unclear.

NM_001377540.1(SLMAP):c.1572C>G (p.Ile524Met)

Gene: SLMAP (sarcolemma associated protein; plus strand). Cytogenetic location: 3p14.3.
Variant type: single nucleotide variant.
Coding change: c.1572C>G on transcript NM_001377540.1 (MANE Select); coding-DNA position 1572, C replaced by G.
Protein change: p.Ile524Met; replaces isoleucine 524 with methionine.
Molecular consequence: missense variant. On other transcripts: intron variant (12).
Genome position (GRCh38, 1-based): chr3:57,907,954, C>G. VCF-style: chr3-57907954-C-G. GRCh37 (hg19) VCF-style: chr3-57893681-C-G.
Other names: c.1521C>G, p.Ile507Met (NM_001304420.3, NM_001377541.1, NM_001377542.1); c.1407C>G, p.Ile469Met (NM_001304421.2, NM_001377557.1, NM_001377559.1); c.123C>G, p.Ile41Met (NM_001304422.3, NM_001311178.2); c.1572C>G, p.Ile524Met (NM_001377538.1, NM_001377539.1); c.1509C>G, p.Ile503Met (NM_001377545.1); c.1470C>G, p.Ile490Met (NM_001377549.1, NM_007159.5); c.1458C>G, p.Ile486Met (NM_001377551.1, NM_001377552.1); c.1502-1122C>G (NM_001377555.1); and 7 more; short protein forms I503M, I524M, I490M, I469M, I486M, I41M, I507M.
Identifiers: ClinVar variation 1773343 (VCV001773343.2), dbSNP rs775234969, ClinGen allele CA2467182.
Genomic context (GRCh38, chr3:57,907,954, plus strand): 5'-GGGTGCACAGTCAGAAATTGAGGCAAAGCAAGAAATACAGCATCTTCGAAAGGAATTGAT[C>G]GAAGCCCAGGAGCTAGCTAGAACAAGTAAACAAAAATGCTTTGAACTTCAAGGTGAGATC-3'
Protein context (NP_001364469.1, residues 514-534): QEIQHLRKEL[Ile524Met]EAQELARTSK